The following is an entry in ClinVar:

ClinVar aggregate classification (germline): Pathogenic. Review status: criteria provided, single submitter (1 of 4 stars). 3 submissions from 3 submitters: Pathogenic (1). 2 of the submissions do not count toward it. Last evaluated 2025-08-24.

Conditions:
Dyskeratosis congenita, autosomal recessive 6 (DKCB6). Identifiers: MedGen C4225356, MONDO:0014600, OMIM 616353.
Pulmonary fibrosis and/or bone marrow failure, Telomere-related, 4. Also called: PULMONARY FIBROSIS AND/OR BONE MARROW FAILURE SYNDROME, TELOMERE-RELATED, 4. Identifiers: Orphanet 2032, MedGen C4225347, MONDO:0014612, OMIM 616371.
Pulmonary fibrosis. Identifiers: MedGen C0034069, MONDO:0002771, HP:0002206.

Allele frequency attached by ClinVar (database versions not stated): TOPMed 0.00001.

Submissions (3):

Labcorp Genetics (formerly Invitae), Labcorp
Classification: Pathogenic for Dyskeratosis congenita, autosomal recessive 6; Pulmonary fibrosis and/or bone marrow failure, Telomere-related, 4. Last evaluated: 2025-08-24. Review status: criteria provided, single submitter. Criteria: Invitae Variant Classification Sherloc (09022015). Collection method: clinical testing. Allele origin: germline.
Comment: This sequence change creates a premature translational stop signal (p.Glu189Argfs*7) in the PARN gene. It is expected to result in an absent or disrupted protein product. Loss-of-function variants in PARN are known to be pathogenic (PMID: 9736620, 25848748, 26810774). This variant is not present in population databases (gnomAD no frequency). This premature translational stop signal has been observed in individual(s) with familial pulmonary fibrosis (PMID: 25848748). This variant is also known as c.563_564insT (Ile188Ilefs*7). ClinVar contains an entry for this variant (Variation ID: 190470). For these reasons, this variant has been classified as Pathogenic.

Garcia Pulmonary Genetics Research Laboratory, Columbia University Irving Medical Center
Classification: Likely risk allele for Pulmonary fibrosis. Last evaluated: 2022-06-09. Review status: no assertion criteria provided. Collection method: research. Allele origin: germline. Affected: yes. Not counted in ClinVar's aggregate classification.

OMIM
Classification: Pathogenic for PULMONARY FIBROSIS AND/OR BONE MARROW FAILURE SYNDROME, TELOMERE-RELATED, 4. Last evaluated: 2015-05-01. Review status: no assertion criteria provided. Collection method: literature only. Allele origin: germline. Not counted in ClinVar's aggregate classification.

Literature cited by the submitters: PubMed 9736620 (cited by Labcorp Genetics (formerly Invitae), Labcorp); PubMed 25848748 (cited by Labcorp Genetics (formerly Invitae), Labcorp and OMIM); PubMed 26810774 (cited by Labcorp Genetics (formerly Invitae), Labcorp).

NM_002582.4(PARN):c.563dup (p.Glu189fs)

Gene: PARN (poly(A)-specific ribonuclease; minus strand). Cytogenetic location: 16p13.12.
Variant type: Duplication.
Coding change: c.563dup on transcript NM_002582.4 (MANE Select); coding-DNA position 563, one base duplicated (T; older notation c.563dupT).
Protein change: p.Glu189fs; shifts the reading frame from glutamic acid 189.
Molecular consequence: frameshift variant.
Genome position (GRCh38, 1-based): chr16:14,609,115, A duplicated on the plus strand (T on the coding strand, the reverse complement: PARN is on the minus strand). VCF-style (leftmost placement, unchanged base first): chr16-14609114-T-TA. GRCh37 (hg19) VCF-style: chr16-14702971-T-TA.
Other names: p.Glu128fs; p.Glu189fs; c.563dup, p.Glu189fs (LRG_1286t1); c.380dup, p.Glu128fs (NM_001134477.3); c.425dup, p.Glu143fs (NM_001242992.2); c.563dupT (NM_002582.4); short protein forms E128fs, E189fs, E143fs.
Identifiers: ClinVar variation 190470 (VCV000190470.35), dbSNP rs878853260, ClinGen allele CA10575709.